The following is an entry in ClinVar:

ClinVar aggregate classification (germline): Benign/Likely benign. Review status: criteria provided, multiple submitters, no conflicts (2 of 4 stars). 2 submissions from 2 submitters: Benign (1); Likely benign (1). Last evaluated 2025-12-17.

Conditions:
Charcot-Marie-Tooth Neuropathy X. Identifiers: MedGen CN118851.
Combined oxidative phosphorylation deficiency. Identifiers: MedGen C4540031, MONDO:0000732.

Allele frequency attached by ClinVar (database versions not stated): gnomAD exomes 0.00003 and 0.00008; ExAC 0.00008; gnomAD 0.00031 and 0.00035; TOPMed 0.00045; ESP Exome Variant Server 0.00057.
gnomAD v4.1: 73 of 1,209,097 alleles (0.006%); highest among the groups gnomAD compares: African/African-American, 0.12%; no homozygotes.

Submissions (2):

Labcorp Genetics (formerly Invitae), Labcorp
Classification: Benign for Charcot-Marie-Tooth Neuropathy X; Combined oxidative phosphorylation deficiency. Last evaluated: 2025-12-17. Review status: criteria provided, single submitter. Criteria: Invitae Variant Classification Sherloc (09022015). Collection method: clinical testing. Allele origin: germline.

GeneDx
Classification: Likely benign. Last evaluated: 2016-02-12. Review status: criteria provided, single submitter. Criteria: GeneDx Variant Classification (06012015). Collection method: clinical testing. Allele origin: germline. Affected: yes.
Comment: This variant is considered likely benign or benign based on one or more of the following criteria: it is a conservative change, it occurs at a poorly conserved position in the protein, it is predicted to be benign by multiple in silico algorithms, and/or has population frequency not consistent with disease.

NM_004208.4(AIFM1):c.1075+20A>G

Genes: AIFM1 (apoptosis inducing factor mitochondria associated 1; minus strand), RAB33A (RAB33A, member RAS oncogene family; plus strand). Cytogenetic location: Xq26.1.
Variant type: single nucleotide variant.
Coding change: c.1075+20A>G on transcript NM_004208.4 (MANE Select); 20 bases into the intron after coding-DNA position 1075, A replaced by G.
Molecular consequence: intron variant.
Genome position (GRCh38, 1-based): chrX:130,137,058, T>C on the plus strand (A>G on the coding strand, the complement: AIFM1 is on the minus strand). VCF-style: chrX-130137058-T-C. GRCh37 (hg19) VCF-style: chrX-129271033-T-C.
Other names: c.1063+20A>G (NM_145812.3); c.*303+20A>G (NM_001130847.4); c.58+20A>G (NM_001130846.4).
Identifiers: ClinVar variation 382781 (VCV000382781.8), dbSNP rs373642288, ClinGen allele CA10515338.